The following is an entry in ClinVar:

NM_024312.5(GNPTAB):c.771+1G>C

Gene: GNPTAB (N-acetylglucosamine-1-phosphate transferase subunits alpha and beta; minus strand). Cytogenetic location: 12q23.2.
Variant type: single nucleotide variant.
Coding change: c.771+1G>C on transcript NM_024312.5 (MANE Select); the canonical splice donor site of the intron after coding-DNA position 771, G replaced by C.
Molecular consequence: splice donor variant.
Genome position (GRCh38, 1-based): chr12:101,780,151, C>G on the plus strand (G>C on the coding strand, the complement: GNPTAB is on the minus strand). VCF-style: chr12-101780151-C-G. GRCh37 (hg19) VCF-style: chr12-102173929-C-G.
Identifiers: ClinVar variation 556944 (VCV000556944.3), dbSNP rs1555271217, ClinGen allele CA386304303.

ClinVar aggregate classification (germline): Likely pathogenic. Review status: criteria provided, single submitter (1 of 4 stars). 2 submissions from 2 submitters: Likely pathogenic (1). 1 of the submissions does not count toward it. Last evaluated 2025-11-23.

Conditions:
Mucolipidosis type II. Also called: Mucolipidosis II Alpha/Beta; Mucolipidosis 2; ML 2; Inclusion cell disease; Leroy Disease; N-acetylglucosamine 1phosphotransferase deficiency. Identifiers: Orphanet 576, MedGen C2673377, MONDO:0009650, OMIM 252500.
Pseudo-Hurler polydystrophy. Also called: MUCOLIPIDOSIS IIIA; ML IIIA; Mucolipidosis III Alpha/Beta; Type III Mucolipidosis; ML III; ML III ALPHA/BETA. Identifiers: Orphanet 423461, Orphanet 577, MedGen C0033788, MONDO:0018931, OMIM 252600.

Submissions (2):

Labcorp Genetics (formerly Invitae), Labcorp
Classification: Likely pathogenic for Pseudo-Hurler polydystrophy; Mucolipidosis type II. Last evaluated: 2025-11-23. Review status: criteria provided, single submitter. Criteria: Invitae Variant Classification Sherloc (09022015). Collection method: clinical testing. Allele origin: germline.
Comment: This sequence change affects a donor splice site in intron 7 of the GNPTAB gene. It is expected to disrupt RNA splicing. Variants that disrupt the donor or acceptor splice site typically lead to a loss of protein function (PMID: 16199547), and loss-of-function variants in GNPTAB are known to be pathogenic (PMID: 19617216, 25107912). This variant is not present in population databases (gnomAD no frequency). This variant has not been reported in the literature in individuals affected with GNPTAB-related conditions. ClinVar contains an entry for this variant (Variation ID: 556944). Algorithms developed to predict the effect of sequence changes on RNA splicing suggest that this variant may disrupt the consensus splice site. In summary, the currently available evidence indicates that the variant is pathogenic, but additional data are needed to prove that conclusively. Therefore, this variant has been classified as Likely Pathogenic.

Counsyl
Classification: Likely pathogenic for Mucolipidosis type II; Pseudo-Hurler polydystrophy. Last evaluated: 2018-02-27. Review status: no assertion criteria provided. Collection method: clinical testing. Allele origin: unknown. Not counted in ClinVar's aggregate classification.

Literature cited by the submitters: PubMed 16199547 (cited by Labcorp Genetics (formerly Invitae), Labcorp); PubMed 19617216 (cited by Labcorp Genetics (formerly Invitae), Labcorp); PubMed 25107912 (cited by Labcorp Genetics (formerly Invitae), Labcorp).